The following is an entry in ClinVar:

ClinVar aggregate classification (germline): Uncertain significance (1 of 4 stars; one submission).

gnomAD v4.1: 46 of 1,614,056 alleles (0.0028%); highest among the groups gnomAD compares: South Asian, 0.046%; 1 homozygote.

Submission:

GeneDx
Classification: Uncertain significance. Last evaluated: 2024-02-06. Review status: criteria provided, single submitter. Criteria: GeneDx Variant Classification Process June 2021. Collection method: clinical testing. Allele origin: germline. Affected: yes.
Comment: In silico analysis supports that this missense variant has a deleterious effect on protein structure/function; Has not been previously published as pathogenic or benign to our knowledge; This variant is associated with the following publications: (PMID: 33748123)

NM_001999.4(FBN2):c.2432T>C (p.Ile811Thr)

Gene: FBN2 (fibrillin 2; minus strand). Cytogenetic location: 5q23.3.
Variant type: single nucleotide variant.
Coding change: c.2432T>C on transcript NM_001999.4 (MANE Select); coding-DNA position 2432, T replaced by C.
Protein change: p.Ile811Thr; replaces isoleucine 811 with threonine.
Molecular consequence: missense variant.
Genome position (GRCh38, 1-based): chr5:128,361,845, A>G on the plus strand (T>C on the coding strand, the complement: FBN2 is on the minus strand). VCF-style: chr5-128361845-A-G. GRCh37 (hg19) VCF-style: chr5-127697538-A-G.
Other names: short protein forms I811T.
Identifiers: ClinVar variation 3368879 (VCV003368879.1).